The following is an entry in ClinVar:

ClinVar aggregate classification (germline): Uncertain significance (1 of 4 stars; one submission).

Conditions:
Autosomal dominant limb-girdle muscular dystrophy type 1G (LGMDD3). Also called: Limb-girdle muscular dystrophy, type 1G; MUSCULAR DYSTROPHY, LIMB-GIRDLE, AUTOSOMAL DOMINANT 3. Identifiers: Orphanet 55596, MedGen C1836765, MONDO:0012193, OMIM 609115.

gnomAD v4.1: 1 of 1,526,932 alleles (0.000065%); highest among the groups gnomAD compares: Non-Finnish European, 0.000088%; no homozygotes.

Submission:

Labcorp Genetics (formerly Invitae), Labcorp
Classification: Uncertain significance for Autosomal dominant limb-girdle muscular dystrophy type 1G. Last evaluated: 2025-03-31. Review status: criteria provided, single submitter. Criteria: Invitae Variant Classification Sherloc (09022015). Collection method: clinical testing. Allele origin: germline.
Comment: This sequence change replaces valine, which is neutral and non-polar, with phenylalanine, which is neutral and non-polar, at codon 61 of the HNRNPDL protein (p.Val61Phe). This variant is not present in population databases (gnomAD no frequency). This variant has not been reported in the literature in individuals affected with HNRNPDL-related conditions. ClinVar contains an entry for this variant (Variation ID: 1479661). An algorithm developed to predict the effect of missense changes on protein structure and function (PolyPhen-2) suggests that this variant is likely to be disruptive. In summary, the available evidence is currently insufficient to determine the role of this variant in disease. Therefore, it has been classified as a Variant of Uncertain Significance.

NM_031372.4(HNRNPDL):c.181G>T (p.Val61Phe)

Gene: HNRNPDL (heterogeneous nuclear ribonucleoprotein D like; minus strand). Cytogenetic location: 4q21.22.
Variant type: single nucleotide variant.
Coding change: c.181G>T on transcript NM_031372.4 (MANE Select); coding-DNA position 181, G replaced by T.
Protein change: p.Val61Phe; replaces valine 61 with phenylalanine.
Molecular consequence: missense variant. On other transcripts: non-coding transcript variant (1).
Genome position (GRCh38, 1-based): chr4:82,429,510, C>A on the plus strand (G>T on the coding strand, the complement: HNRNPDL is on the minus strand). VCF-style: chr4-82429510-C-A. GRCh37 (hg19) VCF-style: chr4-83350663-C-A.
Other names: c.181G>T, p.Val61Phe (NM_001207000.1); short protein forms V61F.
Identifiers: ClinVar variation 1479661 (VCV001479661.8), dbSNP rs2110031580, ClinGen allele CA357172865.